The following is an entry in ClinVar:

ClinVar aggregate classification (germline): Uncertain significance (1 of 4 stars; one submission).

Conditions:
Hereditary cancer-predisposing syndrome. Also called: Neoplastic Syndromes, Hereditary; Tumor predisposition; Hereditary neoplastic syndrome; Hereditary Cancer Syndrome. Identifiers: Orphanet 140162, MedGen C0027672, MeSH D009386, MONDO:0015356.

Submission:

Ambry Genetics
Classification: Uncertain significance for Hereditary cancer-predisposing syndrome. Last evaluated: 2023-02-09. Review status: criteria provided, single submitter. Criteria: Ambry Variant Classification Scheme 2023. Collection method: clinical testing. Allele origin: germline.
Comment: The p.M394I variant (also known as c.1182G>A), located in coding exon 8 of the FLCN gene, results from a G to A substitution at nucleotide position 1182. The methionine at codon 394 is replaced by isoleucine, an amino acid with highly similar properties. This amino acid position is conserved. In addition, the in silico prediction for this alteration is inconclusive. Since supporting evidence is limited at this time, the clinical significance of this alteration remains unclear.

NM_144997.7(FLCN):c.1182G>A (p.Met394Ile)

Gene: FLCN (folliculin; minus strand). Cytogenetic location: 17p11.2.
Variant type: single nucleotide variant.
Coding change: c.1182G>A on transcript NM_144997.7 (MANE Select); coding-DNA position 1182, G replaced by A.
Protein change: p.Met394Ile; replaces methionine 394 with isoleucine.
Molecular consequence: missense variant.
Genome position (GRCh38, 1-based): chr17:17,216,498, C>T on the plus strand (G>A on the coding strand, the complement: FLCN is on the minus strand). VCF-style: chr17-17216498-C-T. GRCh37 (hg19) VCF-style: chr17-17119812-C-T.
Other names: c.1236G>A, p.Met412Ile (NM_001353229.2); c.1182G>A, p.Met394Ile (NM_001353230.2, NM_001353231.2); short protein forms M412I, M394I.
Identifiers: ClinVar variation 2451835 (VCV002451835.2), dbSNP rs2544164501, ClinGen allele CA398532010.